The following is an entry in ClinVar:

ClinVar aggregate classification (germline): Pathogenic. Review status: criteria provided, single submitter (1 of 4 stars). 2 submissions from 2 submitters: Pathogenic (1). 1 of the submissions does not count toward it. Last evaluated 2024-11-22.

Conditions:
Hypertrophic osteoarthropathy, primary, autosomal recessive, 2 (PHOAR2E). Also called: HYPERTROPHIC OSTEOARTHROPATHY, PRIMARY, AUTOSOMAL RECESSIVE, 2/ENTEROPATHY SYNDROME; PHOAR2-enteropathy syndrome; PACHYDERMOPERIOSTOSIS, AUTOSOMAL RECESSIVE; PDP, AUTOSOMAL RECESSIVE. Identifiers: Orphanet 2796, MedGen C3280800, MONDO:0013756, OMIM 614441.

Submissions (2):

Labcorp Genetics (formerly Invitae), Labcorp
Classification: Pathogenic. Last evaluated: 2024-11-22. Review status: criteria provided, single submitter. Criteria: Invitae Variant Classification Sherloc (09022015). Collection method: clinical testing. Allele origin: germline.
Comment: This sequence change creates a premature translational stop signal (p.Asn545Thrfs*15) in the SLCO2A1 gene. It is expected to result in an absent or disrupted protein product. Loss-of-function variants in SLCO2A1 are known to be pathogenic (PMID: 22553128, 23509104). This variant is not present in population databases (gnomAD no frequency). This premature translational stop signal has been observed in individual(s) with hypertrophic osteoarthropathy (PMID: 22197487). ClinVar contains an entry for this variant (Variation ID: 30188). For these reasons, this variant has been classified as Pathogenic.

OMIM
Classification: Pathogenic for PHOAR2-ENTEROPATHY SYNDROME. Last evaluated: 2012-01-13. Review status: no assertion criteria provided. Collection method: literature only. Allele origin: germline. Not counted in ClinVar's aggregate classification.

Literature cited by the submitters: PubMed 22553128 (cited by Labcorp Genetics (formerly Invitae), Labcorp); PubMed 23509104 (cited by Labcorp Genetics (formerly Invitae), Labcorp and OMIM); PubMed 22197487 (cited by Labcorp Genetics (formerly Invitae), Labcorp and OMIM).

NM_005630.3(SLCO2A1):c.1634del (p.Asn545fs)

Gene: SLCO2A1 (solute carrier organic anion transporter family member 2A1; minus strand). Cytogenetic location: 3q22.1.
Variant type: Deletion.
Coding change: c.1634del on transcript NM_005630.3 (MANE Select); coding-DNA position 1634, one base deleted (A; older notation c.1634delA).
Protein change: p.Asn545fs; shifts the reading frame from asparagine 545.
Molecular consequence: frameshift variant.
Genome position (GRCh38, 1-based): chr3:133,938,485, T deleted on the plus strand (A on the coding strand, the reverse complement: SLCO2A1 is on the minus strand); the first of 2 consecutive T bases (chr3:133,938,485-133,938,486); deleting either gives the same sequence. VCF-style (leftmost placement, unchanged base first): chr3-133938484-GT-G. GRCh37 (hg19) VCF-style: chr3-133657328-GT-G.
Other names: short protein forms N545fs.
Identifiers: ClinVar variation 30188 (VCV000030188.6), dbSNP rs1559927542, ClinGen allele CA913190049.
Genomic context (GRCh38, chr3:133,938,484, plus strand): 5'-CTTACCCAGCAAGCGCATCAACAAGAACTGCACCCCGATGGCAAATGACTTTTCCTCCTG[GT>G]TCACCACACTGAAAAGACAGACAGGAAATCAGCAGTGGGAGGATTCAGGGCTGCACGATC-3'